The following is an entry in ClinVar:

NM_007186.6(CEP250):c.361C>T (p.Arg121Ter)

Gene: CEP250 (centrosomal protein 250; plus strand). Cytogenetic location: 20q11.22.
Variant type: single nucleotide variant.
Coding change: c.361C>T on transcript NM_007186.6 (MANE Select); coding-DNA position 361, C replaced by T.
Protein change: p.Arg121Ter; replaces arginine 121 with a stop codon.
Molecular consequence: nonsense. On other transcripts: 5 prime UTR variant (1).
Genome position (GRCh38, 1-based): chr20:35,466,073, C>T. VCF-style: chr20-35466073-C-T. GRCh37 (hg19) VCF-style: chr20-34053898-C-T.
Other names: c.-1539C>T (NM_001318219.1); short protein forms R121*.
Identifiers: ClinVar variation 620659 (VCV000620659.3), dbSNP rs1341298773, ClinGen allele CA408753133.

ClinVar aggregate classification (germline): Pathogenic. Review status: criteria provided, single submitter (1 of 4 stars). 2 submissions from 2 submitters: Pathogenic (1). 1 of the submissions does not count toward it. Last evaluated 2020-02-14.

Conditions:
Cone-rod dystrophy and hearing loss 2 (CRDHL2). Identifiers: MedGen C5193051, MONDO:0020780, OMIM 618358.

Allele frequency attached by ClinVar (database versions not stated): gnomAD exomes below 0.00001 and 0.00001; gnomAD 0.00001; TOPMed 0.00001.
gnomAD v4.1: 7 of 1,614,006 alleles (0.00043%); highest among the groups gnomAD compares: East Asian, 0.0022%; no homozygotes.

Submissions (2):

SIB Swiss Institute of Bioinformatics
Classification: Pathogenic for Cone-rod dystrophy and hearing loss 2. Last evaluated: 2020-02-14. Review status: criteria provided, single submitter. Criteria: ACMG Guidelines, 2015. Collection method: curation. Allele origin: unknown.
Comment: This variant is interpreted as pathogenic for Cone-rod dystrophy and hearing loss 2, autosomal recessive. The following ACMG Tag(s) were applied: PM2, PVS1, PP1.

OMIM
Classification: Pathogenic for CONE-ROD DYSTROPHY AND HEARING LOSS 2. Last evaluated: 2024-09-09. Review status: no assertion criteria provided. Collection method: literature only. Allele origin: germline. Not counted in ClinVar's aggregate classification.

Literature cited by the submitters: PubMed 29718797 (cited by SIB Swiss Institute of Bioinformatics and OMIM).